The following is an entry in ClinVar:

ClinVar aggregate classification (germline): Uncertain significance (1 of 4 stars; one submission).

Conditions:
Bethlem myopathy 1A. Also called: Bethlem Muscular Dystrophy; MYOPATHY, BENIGN CONGENITAL, WITH CONTRACTURES; Bethlem myopathy 1. Identifiers: Orphanet 610, MedGen CN029274, MONDO:0024530, OMIM 158810.

Allele frequency attached by ClinVar (database versions not stated): gnomAD 0.00001; 1000 Genomes Project 0.00020; 1000 Genomes Project 30x 0.00031.
gnomAD v4.1: 1 of 1,614,072 alleles (0.000062%); highest among the groups gnomAD compares: Admixed American, 0.0017%; no homozygotes.

Submission:

Labcorp Genetics (formerly Invitae), Labcorp
Classification: Uncertain significance for Bethlem myopathy 1A. Last evaluated: 2017-03-25. Review status: criteria provided, single submitter. Criteria: Invitae Variant Classification Sherloc (09022015). Collection method: clinical testing. Allele origin: germline.
Comment: This variant is present in population databases (rs398124121, ExAC 0.009%) but has not been reported in the literature in individuals with a COL6A3-related disease. This sequence change replaces valine with leucine at codon 1625 of the COL6A3 protein (p.Val1625Leu). The valine residue is weakly conserved and there is a small physicochemical difference between valine and leucine. In summary, this variant is a rare missense change that is not predicted to affect protein function. There is no indication that it causes disease, but the available evidence is currently insufficient to prove that conclusively. Therefore, it has been classified as a Variant of Uncertain Significance. Algorithms developed to predict the effect of missense changes on protein structure and function (SIFT, PolyPhen-2, Align-GVGD) all suggest that this variant is likely to be tolerated, but these predictions have not been confirmed by published functional studies.

NM_004369.4(COL6A3):c.4873G>T (p.Val1625Leu)

Gene: COL6A3 (collagen type VI alpha 3 chain; minus strand). Cytogenetic location: 2q37.3.
Variant type: single nucleotide variant.
Coding change: c.4873G>T on transcript NM_004369.4 (MANE Select); coding-DNA position 4873, G replaced by T.
Protein change: p.Val1625Leu; replaces valine 1625 with leucine.
Molecular consequence: missense variant.
Genome position (GRCh38, 1-based): chr2:237,368,590, C>A on the plus strand (G>T on the coding strand, the complement: COL6A3 is on the minus strand). VCF-style: chr2-237368590-C-A. GRCh37 (hg19) VCF-style: chr2-238277233-C-A.
Other names: c.3052G>T, p.Val1018Leu (NM_057166.5); c.4255G>T, p.Val1419Leu (NM_057167.4); short protein forms V1625L, V1018L, V1419L.
Identifiers: ClinVar variation 476529 (VCV000476529.9), dbSNP rs398124121, ClinGen allele CA2188796.